The following is an entry in ClinVar:

ClinVar aggregate classification (germline): Uncertain significance. Review status: criteria provided, multiple submitters, no conflicts (2 of 4 stars). 4 submissions from 4 submitters: Uncertain significance (4). Last evaluated 2026-08-08.

Conditions:
Muscular dystrophy-dystroglycanopathy (congenital with brain and eye anomalies), type A1 (MDDGA1). Also called: Muscular dystrophy-dystroglycanopathy (congenital with brain and eye anomalies), type A, 1; WALKER-WARBURG SYNDROME OR MUSCLE-EYE-BRAIN DISEASE, POMT1-RELATED; Hydrocephalus, agyria and retinal dysplasia; Hard +/- E syndrome; Warburg syndrome; Chemke syndrome. Identifiers: Orphanet 588, Orphanet 899, MedGen C4284790, MONDO:0009364, OMIM 236670.
Dilated cardiomyopathy 1X (CMD1X). Also called: CARDIOMYOPATHY, DILATED, WITH MILD OR NO PROXIMAL MUSCLE WEAKNESS; FKTN-Related Dilated Cardiomyopathy. Identifiers: Orphanet 154, MedGen C1969024, MONDO:0012704, OMIM 611615.
Muscular dystrophy-dystroglycanopathy (congenital without impaired intellectual development), type B, 4. Also called: Muscular dystrophy-dystroglycanopathy (congenital without intellectual disability), type B4; MUSCULAR DYSTROPHY, CONGENITAL, FKTN-RELATED. Identifiers: MedGen C2751052, MONDO:0013156, OMIM 613152.
Autosomal recessive limb-girdle muscular dystrophy type 2M. Also called: MUSCULAR DYSTROPHY-DYSTROGLYCANOPATHY (LIMB-GIRDLE), TYPE C, 4; MUSCULAR DYSTROPHY, LIMB-GIRDLE, TYPE 2M. Identifiers: Orphanet 206554, MedGen C1969040, MONDO:0012699, OMIM 611588.
Muscular dystrophy-dystroglycanopathy (congenital with brain and eye anomalies), type A, 4 (MDDGA4). Also called: WALKER-WARBURG SYNDROME OR MUSCLE-EYE-BRAIN DISEASE, FKTN-RELATED; Congenital muscular dystrophy-dystroglycanopathy with brain and eye anomalies, type A4; Muscular dystrophy, congenital progressive, with mental retardation; Muscular dystrophy, congenital, with central nervous system involvement; Cerebromuscular dystrophy, Fukuyama type; Fukuyama congenital muscular dystrophy. Identifiers: Orphanet 272, Orphanet 588, Orphanet 899, MedGen C0410174, MONDO:0009678, OMIM 253800.
Cardiovascular phenotype. Identifiers: MedGen CN230736.
Walker-Warburg congenital muscular dystrophy. Also called: Muscular dystrophy-dystroglycanopathy, type A; Walker-Warburg syndrome. Identifiers: Orphanet 899, MedGen C0265221, MONDO:0000171.

Allele frequency attached by ClinVar (database versions not stated): gnomAD exomes 0.00002 and 0.00001; TOPMed below 0.00001; gnomAD 0.00001; ExAC 0.00002.
gnomAD v4.1: 10 of 1,614,036 alleles (0.00062%); highest among the groups gnomAD compares: East Asian, 0.011%; no homozygotes.

Submissions (4):

Ambry Genetics
Classification: Uncertain significance for Cardiovascular phenotype. Last evaluated: 2026-08-08. Review status: criteria provided, single submitter. Criteria: Ambry Variant Classification Scheme 2023. Collection method: clinical testing. Allele origin: germline.
Comment: The p.F176V variant (also known as c.526T>G), located in coding exon 4 of the FKTN gene, results from a T to G substitution at nucleotide position 526. The phenylalanine at codon 176 is replaced by valine, an amino acid with highly similar properties. This amino acid position is conserved. In addition, this alteration is predicted to be deleterious by in silico analysis. Based on the available evidence, the clinical significance of this variant remains unclear.

Labcorp Genetics (formerly Invitae), Labcorp
Classification: Uncertain significance for Walker-Warburg congenital muscular dystrophy. Last evaluated: 2022-04-28. Review status: criteria provided, single submitter. Criteria: Invitae Variant Classification Sherloc (09022015). Collection method: clinical testing. Allele origin: germline.
Comment: This sequence change replaces phenylalanine, which is neutral and non-polar, with valine, which is neutral and non-polar, at codon 176 of the FKTN protein (p.Phe176Val). This variant is present in population databases (rs746813994, gnomAD 0.02%). This variant has not been reported in the literature in individuals affected with FKTN-related conditions. ClinVar contains an entry for this variant (Variation ID: 288846). Algorithms developed to predict the effect of missense changes on protein structure and function (SIFT, PolyPhen-2, Align-GVGD) all suggest that this variant is likely to be tolerated. In summary, the available evidence is currently insufficient to determine the role of this variant in disease. Therefore, it has been classified as a Variant of Uncertain Significance.

Fulgent Genetics
Classification: Uncertain significance for Muscular dystrophy-dystroglycanopathy (congenital with brain and eye anomalies), type A1; Muscular dystrophy-dystroglycanopathy (congenital with brain and eye anomalies), type A, 4; Autosomal recessive limb-girdle muscular dystrophy type 2M; Dilated cardiomyopathy 1X; Muscular dystrophy-dystroglycanopathy (congenital without impaired intellectual development), type B, 4. Last evaluated: 2021-09-13. Review status: criteria provided, single submitter. Criteria: ACMG Guidelines, 2015. Collection method: clinical testing. Allele origin: unknown.

Eurofins Ntd Llc (ga)
Classification: Uncertain significance. Last evaluated: 2016-06-20. Review status: criteria provided, single submitter. Criteria: EGL Classification Definitions 2015. Collection method: clinical testing. Allele origin: germline. Observed: 1 variant allele, 1 heterozygote.

NM_001079802.2(FKTN):c.526T>G (p.Phe176Val)

Gene: FKTN (fukutin; plus strand). Cytogenetic location: 9q31.2.
Variant type: single nucleotide variant.
Coding change: c.526T>G on transcript NM_001079802.2 (MANE Select); coding-DNA position 526, T replaced by G.
Protein change: p.Phe176Val; replaces phenylalanine 176 with valine.
Molecular consequence: missense variant. On other transcripts: non-coding transcript variant (2).
Genome position (GRCh38, 1-based): chr9:105,604,371, T>G. VCF-style: chr9-105604371-T-G. GRCh37 (hg19) VCF-style: chr9-108366652-T-G.
Other names: c.526T>G (NM_001079802.1); c.526T>G, p.Phe176Val (NM_001198963.2, NM_001351496.2, NM_001351498.2 and 1 more transcripts); c.457T>G, p.Phe153Val (NM_001351497.2); c.130T>G, p.Phe44Val (NM_001351499.2, NM_001351500.2, NM_001351501.2 and 1 more transcripts); short protein forms F176V, F44V, F153V.
Identifiers: ClinVar variation 288846 (VCV000288846.12), dbSNP rs746813994, ClinGen allele CA5170429.